The following is an entry in ClinVar:

ClinVar aggregate classification (germline): Uncertain significance (1 of 4 stars; one submission).

Allele frequency attached by ClinVar (database versions not stated): ExAC 0.00001.
gnomAD v4.1: 1 of 1,612,552 alleles (0.000062%); highest among the groups gnomAD compares: Admixed American, 0.0017%; no homozygotes.

Submission:

Labcorp Genetics (formerly Invitae), Labcorp
Classification: Uncertain significance. Last evaluated: 2025-04-28. Review status: criteria provided, single submitter. Criteria: Invitae Variant Classification Sherloc (09022015). Collection method: clinical testing. Allele origin: germline.
Comment: This sequence change replaces aspartic acid, which is acidic and polar, with tyrosine, which is neutral and polar, at codon 1353 of the LAMA5 protein (p.Asp1353Tyr). The frequency data for this variant in the population databases is considered unreliable, as metrics indicate poor data quality at this position in the gnomAD database. This variant has not been reported in the literature in individuals affected with LAMA5-related conditions. ClinVar contains an entry for this variant (Variation ID: 2885129). An algorithm developed to predict the effect of missense changes on protein structure and function (PolyPhen-2) suggests that this variant is likely to be disruptive. In summary, the available evidence is currently insufficient to determine the role of this variant in disease. Therefore, it has been classified as a Variant of Uncertain Significance.

NM_005560.6(LAMA5):c.4057G>T (p.Asp1353Tyr)

Gene: LAMA5 (laminin subunit alpha 5; minus strand). Cytogenetic location: 20q13.33.
Variant type: single nucleotide variant.
Coding change: c.4057G>T on transcript NM_005560.6 (MANE Select); coding-DNA position 4057, G replaced by T.
Protein change: p.Asp1353Tyr; replaces aspartic acid 1353 with tyrosine.
Molecular consequence: missense variant.
Genome position (GRCh38, 1-based): chr20:62,329,839, C>A on the plus strand (G>T on the coding strand, the complement: LAMA5 is on the minus strand). VCF-style: chr20-62329839-C-A. GRCh37 (hg19) VCF-style: chr20-60904895-C-A.
Other names: short protein forms D1353Y.
Identifiers: ClinVar variation 2885129 (VCV002885129.3), dbSNP rs780661375, ClinGen allele CA9942746.
Genomic context (GRCh38, chr20:62,329,839, plus strand): 5'-GCCAGAGCCACCGGCCCTTGGGCACACGCACGGTCACAGTGAGCTCGCTGTGGGTCACGT[C>A]CAGCAGGGCCTGGCCCTCACACACCACCAGGGTGCGGCAGCCGTAGCCATGTGGACAGAA-3'
Protein context (NP_005551.3, residues 1343-1363): LVVCEGQALL[Asp1353Tyr]VTHSELTVTV